The following is an entry in ClinVar:

ClinVar aggregate classification (germline): Conflicting classifications of pathogenicity. Review status: criteria provided, conflicting classifications (1 of 4 stars). 5 submissions from 5 submitters: Uncertain significance (2); Benign (1); Likely benign (2). Last evaluated 2024-11-11.

Conditions:
Inborn genetic diseases. Identifiers: MedGen C0950123, MeSH D030342.
Intellectual developmental disorder, X-linked, syndromic, Hedera type. Also called: Syndromic X-linked intellectual disability Hedera type. Identifiers: Orphanet 93952, MedGen C1845543, MONDO:0010319, OMIM 300423.

Allele frequency attached by ClinVar (database versions not stated): gnomAD exomes 0.00002 and 0.00004; ExAC 0.00003; TOPMed 0.00011; gnomAD 0.00013 and 0.00014; 1000 Genomes Project 30x 0.00021; 1000 Genomes Project 0.00026.
gnomAD v4.1: 43 of 1,209,044 alleles (0.0036%); highest among the groups gnomAD compares: African/African-American, 0.054%; no homozygotes.

Submissions (5):

Ambry Genetics
Classification: Likely benign for Inborn genetic diseases. Last evaluated: 2024-11-11. Review status: criteria provided, single submitter. Criteria: Ambry Variant Classification Scheme 2023. Collection method: clinical testing. Allele origin: germline.

Labcorp Genetics (formerly Invitae), Labcorp
Classification: Uncertain significance for Intellectual developmental disorder, X-linked, syndromic, Hedera type. Last evaluated: 2024-06-17. Review status: criteria provided, single submitter. Criteria: Invitae Variant Classification Sherloc (09022015). Collection method: clinical testing. Allele origin: germline.
Comment: This sequence change replaces arginine, which is basic and polar, with tryptophan, which is neutral and slightly polar, at codon 73 of the ATP6AP2 protein (p.Arg73Trp). This variant is present in population databases (rs749401561, gnomAD 0.06%), and has an allele count higher than expected for a pathogenic variant. This variant has not been reported in the literature in individuals affected with ATP6AP2-related conditions. ClinVar contains an entry for this variant (Variation ID: 204915). Advanced modeling of protein sequence and biophysical properties (such as structural, functional, and spatial information, amino acid conservation, physicochemical variation, residue mobility, and thermodynamic stability) performed at Invitae indicates that this missense variant is expected to disrupt ATP6AP2 protein function with a positive predictive value of 80%. In summary, the available evidence is currently insufficient to determine the role of this variant in disease. Therefore, it has been classified as a Variant of Uncertain Significance.

Mendelics
Classification: Benign. Last evaluated: 2022-05-04. Review status: criteria provided, single submitter. Criteria: Mendelics Assertion Criteria 2019. Collection method: clinical testing. Allele origin: germline.

GeneDx
Classification: Likely benign. Last evaluated: 2021-03-02. Review status: criteria provided, single submitter. Criteria: GeneDx Variant Classification Process June 2021. Collection method: clinical testing. Allele origin: germline. Affected: yes.

Athena Diagnostics
Classification: Uncertain significance. Last evaluated: 2016-08-22. Review status: criteria provided, single submitter. Criteria: Athena Diagnostics Criteria. Collection method: clinical testing. Allele origin: germline.

NM_005765.3(ATP6AP2):c.217C>T (p.Arg73Trp)

Gene: ATP6AP2 (ATPase H+ transporting accessory protein 2; plus strand). Cytogenetic location: Xp11.4.
Variant type: single nucleotide variant.
Coding change: c.217C>T on transcript NM_005765.3 (MANE Select); coding-DNA position 217, C replaced by T.
Protein change: p.Arg73Trp; replaces arginine 73 with tryptophan.
Molecular consequence: missense variant.
Genome position (GRCh38, 1-based): chrX:40,591,282, C>T. VCF-style: chrX-40591282-C-T. GRCh37 (hg19) VCF-style: chrX-40450534-C-T.
Other names: p.R73W:CGG>TGG; short protein forms R73W.
Identifiers: ClinVar variation 204915 (VCV000204915.9), dbSNP rs749401561, ClinGen allele CA313359.
Genomic context (GRCh38, chrX:40,591,282, plus strand): 5'-TTCAATGTTTAGGACCTTTCTTGGCCAGGACTCGCAGTGGGTAACCTGTTTCATCGTCCT[C>T]GGGCTACCGTCATGGTGATGGTGAAGGGAGTGAACAAACTGGCTCTACCCCCAGGCAGTG-3'
Protein context (NP_005756.2, residues 63-83): LAVGNLFHRP[Arg73Trp]ATVMVMVKGV